The following is an entry in ClinVar:

NM_000081.4(LYST):c.5365C>A (p.His1789Asn)

Gene: LYST (lysosomal trafficking regulator; minus strand). Cytogenetic location: 1q42.3.
Variant type: single nucleotide variant.
Coding change: c.5365C>A on transcript NM_000081.4 (MANE Select); coding-DNA position 5365, C replaced by A.
Protein change: p.His1789Asn; replaces histidine 1789 with asparagine.
Molecular consequence: missense variant.
Genome position (GRCh38, 1-based): chr1:235,777,158, G>T on the plus strand (C>A on the coding strand, the complement: LYST is on the minus strand). VCF-style: chr1-235777158-G-T. GRCh37 (hg19) VCF-style: chr1-235940458-G-T.
Other names: c.5365C>A (NM_000081.2); c.5365C>A, p.His1789Asn (NM_001301365.1); short protein forms H1789N.
Identifiers: ClinVar variation 1468369 (VCV001468369.4), dbSNP rs1270209610, ClinGen allele CA344953075.

ClinVar aggregate classification (germline): Uncertain significance. Review status: criteria provided, multiple submitters, no conflicts (2 of 4 stars). 3 submissions from 3 submitters: Uncertain significance (3). Last evaluated 2023-12-29.

Conditions:
Inborn genetic diseases. Identifiers: MedGen C0950123, MeSH D030342.
Chédiak-Higashi syndrome (CHS). Also called: Chediak-Higashi Syndrome. Identifiers: Orphanet 167, MedGen C0007965, MONDO:0008963, OMIM 214500.

Allele frequency attached by ClinVar (database versions not stated): gnomAD 0.00001; TOPMed 0.00002.
gnomAD v4.1: 6 of 1,613,420 alleles (0.00037%); highest among the groups gnomAD compares: African/African-American, 0.0013%; no homozygotes.

Submissions (3):

Fulgent Genetics
Classification: Uncertain significance for Chédiak-Higashi syndrome. Last evaluated: 2023-12-29. Review status: criteria provided, single submitter. Criteria: ACMG Guidelines, 2015. Collection method: clinical testing. Allele origin: germline.

Ambry Genetics
Classification: Uncertain significance for Inborn genetic diseases. Last evaluated: 2023-09-20. Review status: criteria provided, single submitter. Criteria: Ambry Variant Classification Scheme 2023. Collection method: clinical testing. Allele origin: germline.

Labcorp Genetics (formerly Invitae), Labcorp
Classification: Uncertain significance for Chédiak-Higashi syndrome. Last evaluated: 2021-11-02. Review status: criteria provided, single submitter. Criteria: Invitae Variant Classification Sherloc (09022015). Collection method: clinical testing. Allele origin: germline.
Comment: This sequence change replaces histidine, which is basic and polar, with asparagine, which is neutral and polar, at codon 1789 of the LYST protein (p.His1789Asn). This variant is not present in population databases (gnomAD no frequency). This variant has not been reported in the literature in individuals affected with LYST-related conditions. Algorithms developed to predict the effect of missense changes on protein structure and function (SIFT, PolyPhen-2, Align-GVGD) all suggest that this variant is likely to be tolerated. In summary, the available evidence is currently insufficient to determine the role of this variant in disease. Therefore, it has been classified as a Variant of Uncertain Significance.